The following is an entry in ClinVar:

ClinVar aggregate classification (germline): Uncertain significance (1 of 4 stars; one submission).

Conditions:
Primary ciliary dyskinesia 33. Also called: CILIARY DYSKINESIA, PRIMARY, 33, WITHOUT SITUS INVERSUS. Identifiers: Orphanet 244, MedGen C4225230, MONDO:0014750, OMIM 616726.

Allele frequency attached by ClinVar (database versions not stated): gnomAD 0.00002; TOPMed 0.00002; ExAC 0.00004; 1000 Genomes Project 30x 0.00016; 1000 Genomes Project 0.00020.
gnomAD v4.1: 24 of 1,614,110 alleles (0.0015%); highest among the groups gnomAD compares: Admixed American, 0.0083%; no homozygotes.

Submission:

Labcorp Genetics (formerly Invitae), Labcorp
Classification: Uncertain significance for Primary ciliary dyskinesia 33. Last evaluated: 2022-02-02. Review status: criteria provided, single submitter. Criteria: Invitae Variant Classification Sherloc (09022015). Collection method: clinical testing. Allele origin: germline.
Comment: In summary, the available evidence is currently insufficient to determine the role of this variant in disease. Therefore, it has been classified as a Variant of Uncertain Significance. Algorithms developed to predict the effect of missense changes on protein structure and function (SIFT, PolyPhen-2, Align-GVGD) all suggest that this variant is likely to be tolerated. This variant has not been reported in the literature in individuals affected with GAS8-related conditions. This variant is present in population databases (rs537083866, gnomAD 0.006%). This sequence change replaces arginine, which is basic and polar, with histidine, which is basic and polar, at codon 313 of the GAS8 protein (p.Arg313His).

NM_001481.3(DRC4):c.938G>A (p.Arg313His)

Gene: DRC4 (dynein regulatory complex subunit 4; plus strand). Cytogenetic location: 16q24.3.
Variant type: single nucleotide variant.
Coding change: c.938G>A on transcript NM_001481.3 (MANE Select); coding-DNA position 938, G replaced by A.
Protein change: p.Arg313His; replaces arginine 313 with histidine.
Molecular consequence: missense variant.
Genome position (GRCh38, 1-based): chr16:90,037,775, G>A. VCF-style: chr16-90037775-G-A. GRCh37 (hg19) VCF-style: chr16-90104183-G-A.
Other names: c.689G>A, p.Arg230His (NM_001286205.2); c.362G>A, p.Arg121His (NM_001286208.2); c.863G>A, p.Arg288His (NM_001286209.2); short protein forms R230H, R313H, R121H, R288H.
Identifiers: ClinVar variation 1955091 (VCV001955091.3), dbSNP rs537083866, ClinGen allele CA8258042.